The following is an entry in ClinVar:

NM_015443.4(KANSL1):c.2309G>A (p.Arg770His)

Gene: KANSL1 (KAT8 regulatory NSL complex subunit 1). Cytogenetic location: 17q21.31.
Variant type: single nucleotide variant.
Coding change: c.2309G>A on transcript NM_015443.4 (MANE Select); coding-DNA position 2309, G replaced by A.
Protein change: p.Arg770His; replaces arginine 770 with histidine.
Molecular consequence: missense variant.
Genome position (GRCh38, 1-based): chr17:46,039,110, C>T on the plus strand (G>A on the coding strand, the complement: KANSL1 is on the minus strand). VCF-style: chr17-46039110-C-T. GRCh37 (hg19) VCF-style: chr17-44116476-C-T.
Other names: c.2309G>A, p.Arg770His (NM_001193465.2, NM_001193466.2, NM_001379198.1); short protein forms R770H.
Identifiers: ClinVar variation 1009682 (VCV001009682.6), dbSNP rs144377285, ClinGen allele CA8618605.

ClinVar aggregate classification (germline): Uncertain significance (1 of 4 stars; one submission).

Conditions:
Koolen-de Vries syndrome (KDVS). Identifiers: Orphanet 96169, MedGen C1864871, MONDO:0012496, OMIM 610443.

Allele frequency attached by ClinVar (database versions not stated): gnomAD 0.00001; gnomAD exomes 0.00001 and 0.00002; TOPMed 0.00001; ExAC 0.00002; ESP Exome Variant Server 0.00008.
gnomAD v4.1: 26 of 1,612,406 alleles (0.0016%); highest among the groups gnomAD compares: Non-Finnish European, 0.002%; no homozygotes.

Submission:

Labcorp Genetics (formerly Invitae), Labcorp
Classification: Uncertain significance for Koolen-de Vries syndrome. Last evaluated: 2023-09-30. Review status: criteria provided, single submitter. Criteria: Invitae Variant Classification Sherloc (09022015). Collection method: clinical testing. Allele origin: germline.
Comment: ClinVar contains an entry for this variant (Variation ID: 1009682). In summary, the available evidence is currently insufficient to determine the role of this variant in disease. Therefore, it has been classified as a Variant of Uncertain Significance. Advanced modeling of protein sequence and biophysical properties (such as structural, functional, and spatial information, amino acid conservation, physicochemical variation, residue mobility, and thermodynamic stability) performed at Invitae indicates that this missense variant is not expected to disrupt KANSL1 protein function. This variant has not been reported in the literature in individuals affected with KANSL1-related conditions. This variant is present in population databases (rs144377285, gnomAD 0.01%). This sequence change replaces arginine, which is basic and polar, with histidine, which is basic and polar, at codon 770 of the KANSL1 protein (p.Arg770His).